The following is an entry in ClinVar:

NM_001250.6(CD40):c.497+1G>A

Gene: CD40 (CD40 molecule; plus strand). Cytogenetic location: 20q13.12.
Variant type: single nucleotide variant.
Coding change: c.497+1G>A on transcript NM_001250.6 (MANE Select); the canonical splice donor site of the intron after coding-DNA position 497, G replaced by A.
Molecular consequence: splice donor variant. On other transcripts: intron variant (2).
Genome position (GRCh38, 1-based): chr20:46,123,220, G>A. VCF-style: chr20-46123220-G-A. GRCh37 (hg19) VCF-style: chr20-44751859-G-A.
Other names: c.497+1G>A (NM_001302753.2, NM_001322421.2, NM_001362758.2 and 1 more transcripts); c.403+464G>A (NM_001424339.1, NM_001322422.2).
Identifiers: ClinVar variation 2818861 (VCV002818861.3), dbSNP rs1600658150, ClinGen allele CA409206834.
Genomic context (GRCh38, chr20:46,123,220, plus strand): 5'-CCCAGTCGGCTTCTTCTCCAATGTGTCATCTGCTTTCGAAAAATGTCACCCTTGGACAAG[G>A]TATAAGCACTCATCCCTTGTGTTTCCTGCTCTAAGAGTGGCATGGAGCTGCCTCCATTCT-3'

ClinVar aggregate classification (germline): Likely pathogenic (1 of 4 stars; one submission).

Submission:

Labcorp Genetics (formerly Invitae), Labcorp
Classification: Likely pathogenic. Last evaluated: 2023-10-20. Review status: criteria provided, single submitter. Criteria: Invitae Variant Classification Sherloc (09022015). Collection method: clinical testing. Allele origin: germline.
Comment: This sequence change affects a donor splice site in intron 5 of the CD40 gene. It is expected to disrupt RNA splicing. Variants that disrupt the donor or acceptor splice site typically lead to a loss of protein function (PMID: 16199547), and loss-of-function variants in CD40 are known to be pathogenic (PMID: 20702779, 24122029, 35729272). This variant is not present in population databases (gnomAD no frequency). This variant has not been reported in the literature in individuals affected with CD40-related conditions. Algorithms developed to predict the effect of sequence changes on RNA splicing suggest that this variant may disrupt the consensus splice site. In summary, the currently available evidence indicates that the variant is pathogenic, but additional data are needed to prove that conclusively. Therefore, this variant has been classified as Likely Pathogenic.

Literature cited by the submitters: PubMed 16199547; PubMed 20702779; PubMed 24122029; PubMed 35729272.